The following is an entry in ClinVar:

NM_000426.4(LAMA2):c.6044C>T (p.Thr2015Ile)

Gene: LAMA2 (laminin subunit alpha 2; plus strand). Cytogenetic location: 6q22.33.
Variant type: single nucleotide variant.
Coding change: c.6044C>T on transcript NM_000426.4 (MANE Select); coding-DNA position 6044, C replaced by T.
Protein change: p.Thr2015Ile; replaces threonine 2015 with isoleucine.
Molecular consequence: missense variant.
Genome position (GRCh38, 1-based): chr6:129,438,721, C>T. VCF-style: chr6-129438721-C-T. GRCh37 (hg19) VCF-style: chr6-129759866-C-T.
Other names: c.6044C>T, p.Thr2015Ile (NM_001079823.2); short protein forms T2015I.
Identifiers: ClinVar variation 543845 (VCV000543845.9), dbSNP rs990115860, ClinGen allele CA146915487.
Genomic context (GRCh38, chr6:129,438,721, plus strand): 5'-TAAATGGCTTAAAAACCAGGATAGAAAATGCTGATGCTAGAAATGGGGATCTCTTGAGAA[C>T]TTTGAATGACACTTTGGGAAAGTTATCAGCTATTCCAAATGGTAAGCATTCAGGACACTA-3'
Protein context (NP_000417.3, residues 2005-2025): ADARNGDLLR[Thr2015Ile]LNDTLGKLSA

ClinVar aggregate classification (germline): Uncertain significance (1 of 4 stars; one submission).

Conditions:
LAMA2-related muscular dystrophy (LAMA2-RD). Also called: Laminin alpha 2-related dystrophy. Identifiers: MedGen C5679788, MONDO:0100228.

Allele frequency attached by ClinVar (database versions not stated): gnomAD 0.00001 and 0.00006; TOPMed 0.00005.
gnomAD v4.1: 7 of 1,606,988 alleles (0.00044%); highest among the groups gnomAD compares: Non-Finnish European, 0.000085%; no homozygotes.

Submission:

Labcorp Genetics (formerly Invitae), Labcorp
Classification: Uncertain significance for LAMA2-related muscular dystrophy. Last evaluated: 2021-04-23. Review status: criteria provided, single submitter. Criteria: Invitae Variant Classification Sherloc (09022015). Collection method: clinical testing. Allele origin: germline.
Comment: In summary, the available evidence is currently insufficient to determine the role of this variant in disease. Therefore, it has been classified as a Variant of Uncertain Significance. Algorithms developed to predict the effect of missense changes on protein structure and function (SIFT, PolyPhen-2, Align-GVGD) all suggest that this variant is likely to be tolerated, but these predictions have not been confirmed by published functional studies and their clinical significance is uncertain. This variant has not been reported in the literature in individuals with LAMA2-related disease. This variant is not present in population databases (ExAC no frequency). This sequence change replaces threonine with isoleucine at codon 2015 of the LAMA2 protein (p.Thr2015Ile). The threonine residue is weakly conserved and there is a moderate physicochemical difference between threonine and isoleucine.